The following is an entry in ClinVar:

ClinVar aggregate classification (germline): Pathogenic. Review status: criteria provided, multiple submitters, no conflicts (2 of 4 stars). 5 submissions from 5 submitters: Pathogenic (3). 2 of the submissions do not count toward it. Last evaluated 2025-08-04.

Conditions:
Cohen syndrome (COH1). Also called: PEPPER SYNDROME; Cutis verticis gyrata, retinitis pigmentosa, and sensorineural deafness. Identifiers: Orphanet 193, MedGen C0265223, MONDO:0008999, OMIM 216550.

gnomAD v4.1: 1 of 1,613,126 alleles (0.000062%); highest among the groups gnomAD compares: African/African-American, 0.0013%; no homozygotes.

Submissions (5):

Natera, Inc.
Classification: Pathogenic for Cohen syndrome. Last evaluated: 2025-08-04. Review status: criteria provided, single submitter. Criteria: Natera Variant Classification Schema (03/2026). Collection method: clinical testing. Allele origin: germline.
Comment: The c.4923G>A variant in VPS13B is a nonsense variant predicted to introduce a stop codon at amino acid 1641. This variant is expected to result in nonsense mediated decay, truncation, or a dysfunctional protein product. This variant is rare in the general population with a frequency below the threshold expected for the associated phenotype(s). This variant has been observed in one or more individuals affected with the associated recessive disease, as either homozygous or compound heterozygous with a second variant (PMID: 16648375). Given the available evidence, this variant is classified as Pathogenic.

Labcorp Genetics (formerly Invitae), Labcorp
Classification: Pathogenic for Cohen syndrome. Last evaluated: 2022-11-15. Review status: criteria provided, single submitter. Criteria: Invitae Variant Classification Sherloc (09022015). Collection method: clinical testing. Allele origin: germline.
Comment: For these reasons, this variant has been classified as Pathogenic. ClinVar contains an entry for this variant (Variation ID: 68086). This premature translational stop signal has been observed in individual(s) with clinical features of Cohen syndrome (PMID: 16648375). This variant is not present in population databases (gnomAD no frequency). This sequence change creates a premature translational stop signal (p.Trp1641*) in the VPS13B gene. It is expected to result in an absent or disrupted protein product. Loss-of-function variants in VPS13B are known to be pathogenic (PMID: 15141358, 16648375, 20461111).

GeneDx
Classification: Pathogenic. Last evaluated: 2022-06-03. Review status: criteria provided, single submitter. Criteria: GeneDx Variant Classification Process June 2021. Collection method: clinical testing. Allele origin: germline. Affected: yes.
Comment: Observed along with a second nonsense variant in the VPS13B gene in multiple patients from one family with Cohen syndrome; however, segregation information was not provided (Seifert et al., 2006); Nonsense variant predicted to result in protein truncation or nonsense mediated decay in a gene for which loss of function is a known mechanism of disease; Not observed at significant frequency in large population cohorts (gnomAD); This variant is associated with the following publications: (PMID: 25525159, 21865173, 20461111, 15141358, 16648375)

Counsyl
Classification: Likely pathogenic for Cohen syndrome. Last evaluated: 2014-10-28. Review status: no assertion criteria provided. Collection method: literature only. Allele origin: unknown. Inheritance: Autosomal recessive inheritance. Not counted in ClinVar's aggregate classification.

SNPedia
Classification: Pathogenic. Review status: no assertion criteria provided. Collection method: not provided. Allele origin: germline. Not counted in ClinVar's aggregate classification.
ClinVar note: Converted during submission from pathogenic to Pathogenic.

Literature cited by the submitters: PubMed 16648375 (cited by 3 submitters); PubMed 15141358 (cited by Labcorp Genetics (formerly Invitae), Labcorp); PubMed 20461111 (cited by Labcorp Genetics (formerly Invitae), Labcorp); PubMed 21865173 (cited by Counsyl).

NM_152564.5(VPS13B):c.4848G>A (p.Trp1616Ter)

Gene: VPS13B (vacuolar protein sorting 13 homolog B; plus strand). Cytogenetic location: 8q22.2.
Variant type: single nucleotide variant.
Coding change: c.4848G>A on transcript NM_152564.5 (MANE Select); coding-DNA position 4848, G replaced by A.
Protein change: p.Trp1616Ter; replaces tryptophan 1616 with a stop codon.
Molecular consequence: nonsense.
Genome position (GRCh38, 1-based): chr8:99,556,552, G>A. VCF-style: chr8-99556552-G-A. GRCh37 (hg19) VCF-style: chr8-100568780-G-A.
Other names: c.4923G>A, p.Trp1641Ter (NM_017890.5); short protein forms W1616*, W1641*.
Identifiers: ClinVar variation 68086 (VCV000068086.13), dbSNP rs180177360, ClinGen allele CA274306.